The following is an entry in ClinVar:

NM_002972.4(SBF1):c.1214T>G (p.Leu405Arg)

Gene: SBF1 (SET binding factor 1; minus strand). Cytogenetic location: 22q13.33.
Variant type: single nucleotide variant.
Coding change: c.1214T>G on transcript NM_002972.4 (MANE Select); coding-DNA position 1214, T replaced by G.
Protein change: p.Leu405Arg; replaces leucine 405 with arginine.
Molecular consequence: missense variant.
Genome position (GRCh38, 1-based): chr22:50,465,119, A>C on the plus strand (T>G on the coding strand, the complement: SBF1 is on the minus strand). VCF-style: chr22-50465119-A-C. GRCh37 (hg19) VCF-style: chr22-50903548-A-C.
Other names: c.1217T>G, p.Leu406Arg (NM_001365819.1, NM_001410794.1); c.1214T>G, p.Leu405Arg (NM_001410795.1, NM_197971.1); short protein forms L405R, L406R.
Identifiers: ClinVar variation 2098869 (VCV002098869.3), dbSNP rs2521996200, ClinGen allele CA412218495.

ClinVar aggregate classification (germline): Uncertain significance (1 of 4 stars; one submission).

Submission:

Labcorp Genetics (formerly Invitae), Labcorp
Classification: Uncertain significance. Last evaluated: 2022-02-18. Review status: criteria provided, single submitter. Criteria: Invitae Variant Classification Sherloc (09022015). Collection method: clinical testing. Allele origin: germline.
Comment: This sequence change replaces leucine, which is neutral and non-polar, with arginine, which is basic and polar, at codon 405 of the SBF1 protein (p.Leu405Arg). This variant is not present in population databases (gnomAD no frequency). This variant has not been reported in the literature in individuals affected with SBF1-related conditions. Algorithms developed to predict the effect of missense changes on protein structure and function are either unavailable or do not agree on the potential impact of this missense change (SIFT: "Tolerated"; PolyPhen-2: "Probably Damaging"; Align-GVGD: "Class C0"). In summary, the available evidence is currently insufficient to determine the role of this variant in disease. Therefore, it has been classified as a Variant of Uncertain Significance.